The following is an entry in ClinVar:

NM_005618.4(DLL1):c.776G>A (p.Arg259His)

Gene: DLL1 (delta like canonical Notch ligand 1; minus strand). Cytogenetic location: 6q27.
Variant type: single nucleotide variant.
Coding change: c.776G>A on transcript NM_005618.4 (MANE Select); coding-DNA position 776, G replaced by A.
Protein change: p.Arg259His; replaces arginine 259 with histidine.
Molecular consequence: missense variant.
Genome position (GRCh38, 1-based): chr6:170,285,655, C>T on the plus strand (G>A on the coding strand, the complement: DLL1 is on the minus strand). VCF-style: chr6-170285655-C-T. GRCh37 (hg19) VCF-style: chr6-170594743-C-T.
Other names: short protein forms R259H.
Identifiers: ClinVar variation 4871706 (VCV004871706.1).

ClinVar aggregate classification (germline): Uncertain significance (1 of 4 stars; one submission).

Conditions:
Neurodevelopmental disorder with nonspecific brain abnormalities and with or without seizures. Identifiers: MedGen C5231470, MONDO:0032877, OMIM 618709.

gnomAD v4.1: 19 of 1,613,950 alleles (0.0012%); highest among the groups gnomAD compares: Admixed American, 0.005%; no homozygotes.

Submission:

Centro Nacional de Genética Medica, Administración Nacional de Laboratorios e Institutos de Salud (ANLIS) “Dr. Carlos G Malbrán”
Classification: Uncertain significance for Neurodevelopmental disorder with nonspecific brain abnormalities and with or without seizures. Last evaluated: 2025-12-30. Review status: criteria provided, single submitter. Criteria: ACMG Guidelines, 2015. Collection method: clinical testing. Allele origin: germline. Affected: yes. Observed: 1 variant allele.
Comment: This substitution predicts a change from the amino acid (missense) arginine at position 259, which has a side chain with a positively charged (basic) guanidinium group, to histidine, which contains an imidazole group that acts as a proton acceptor or donor in enzymatic reactions (p.Arg259His). The variant is located in exon 6, which is highly conserved in NOTCH-binding proteins. It forms part of a loop that allows the necessary close proximity for the formation of two disulfide bridges, whose cysteines are located in the EGF_DL_JAG domain (Cys263-Cys274 and Cys257-Cys268). In 2009, a study (PMID: 19586525) described a structural analysis of this domain and its surrounding regions for both DLL1 and its homologous protein, JAG1, also a NOTCH receptor-binding protein. This group proposes an internal chaperone function that leads to conserved self-folding, allowing the formation of specific disulfide bridges in certain regions, including the region where the variant found in the patient is located. In a structural simulation performed with the DLL1 4XBM crystal (PMID: 25715738), the Chimera visualization program (PMID: 15264254), and the FoldX program (PMID: 15980494), it was established that the distance between the amino acid at position 249 and Leucine at position 264 and Glycine at position 266 is double the original distance between Arg249 and these two residues. Based on these findings and the information established in the literature, a possible explanation for the effect of the change found in the patient is that it alters the structure of the region, preventing the correct proximity between these residues and affecting the formation of nearby disulfide bridges (PM1). The variant found is present at low frequency in population databases such as GnomAD, ExAc or 1000 genomes, (frequency: 1.177e-5) (PM2_Supporting).

Literature cited by the submitters: PubMed 19586525; PubMed 25715738; PubMed 15264254; PubMed 15980494.